The following is an entry in ClinVar:

ClinVar aggregate classification (germline): Uncertain significance (1 of 4 stars; one submission).

Conditions:
Hereditary cancer-predisposing syndrome. Also called: Hereditary Cancer Syndrome; Hereditary neoplastic syndrome; Neoplastic Syndromes, Hereditary; Tumor predisposition. Identifiers: Orphanet 140162, MedGen C0027672, MeSH D009386, MONDO:0015356.

Submission:

Ambry Genetics
Classification: Uncertain significance for Hereditary cancer-predisposing syndrome. Last evaluated: 2022-04-27. Review status: criteria provided, single submitter. Criteria: Ambry Variant Classification Scheme 2023. Collection method: clinical testing. Allele origin: germline.
Comment: The p.P342H variant (also known as c.1025C>A), located in coding exon 10 of the FANCC gene, results from a C to A substitution at nucleotide position 1025. The proline at codon 342 is replaced by histidine, an amino acid with similar properties. This amino acid position is conserved. In addition, this alteration is predicted to be deleterious by in silico analysis. Since supporting evidence is limited at this time, the clinical significance of this alteration remains unclear.

NM_000136.3(FANCC):c.1025C>A (p.Pro342His)

Genes: AOPEP (aminopeptidase O (putative); plus strand), FANCC (FA complementation group C; minus strand). Cytogenetic location: 9q22.32.
Variant type: single nucleotide variant.
Coding change: c.1025C>A on transcript NM_000136.3 (MANE Select); coding-DNA position 1025, C replaced by A.
Protein change: p.Pro342His; replaces proline 342 with histidine.
Molecular consequence: missense variant.
Genome position (GRCh38, 1-based): chr9:95,117,362, G>T on the plus strand (C>A on the coding strand, the complement: FANCC is on the minus strand). VCF-style: chr9-95117362-G-T. GRCh37 (hg19) VCF-style: chr9-97879644-G-T.
Other names: c.1025C>A, p.Pro342His (NM_001243743.2, NM_001243744.2); short protein forms P342H.
Identifiers: ClinVar variation 1769288 (VCV001769288.2), dbSNP rs2134693364, ClinGen allele CA374108183.